The following is an entry in ClinVar:

ClinVar aggregate classification (germline): Benign. Review status: criteria provided, multiple submitters, no conflicts (2 of 4 stars). 3 submissions from 3 submitters: Benign (2). 1 of the submissions does not count toward it. Last evaluated 2016-03-29.

Conditions:
KIF26B-related disorder. Also called: KIF26B-related condition.

Allele frequency attached by ClinVar (database versions not stated): ESP Exome Variant Server 0.00772; gnomAD 0.02098 and 0.02374; TOPMed 0.03257; gnomAD exomes 0.05413; 1000 Genomes Project 0.05631; 1000 Genomes Project 30x 0.05637; ExAC 0.05819.
gnomAD v4.1: 33,434 of 1,574,508 alleles (2.1%); highest among the groups gnomAD compares: Admixed American, 17%; 1,408 homozygotes.

Submissions (3):

Laboratory for Molecular Medicine, Mass General Brigham Personalized Medicine
Classification: Benign. Last evaluated: 2016-03-29. Review status: criteria provided, single submitter. Criteria: LMM Criteria. Collection method: clinical testing. Allele origin: germline.
Comment: Variant identified in a genome or exome case(s) and assessed due to predicted null impact of the variant or pathogenic assertions in the literature or databases. Disclaimer: This variant has not undergone full assessment. The following are preliminary notes: Frequency

Breakthrough Genomics
Classification: Benign. Review status: criteria provided, single submitter. Criteria: ACMG Guidelines, 2015. Collection method: not provided. Allele origin: germline. Inheritance: Unknown mechanism. Affected: yes.

PreventionGenetics, part of Exact Sciences
Classification: Benign for KIF26B-related condition. Last evaluated: 2019-04-05. Review status: no assertion criteria provided. Collection method: clinical testing. Allele origin: germline. Not counted in ClinVar's aggregate classification.
Comment: This variant is classified as benign based on ACMG/AMP sequence variant interpretation guidelines (Richards et al. 2015 PMID: 25741868, with internal and published modifications).

NM_018012.4(KIF26B):c.5004G>T (p.Ser1668=)

Gene: KIF26B (kinesin family member 26B; plus strand). Cytogenetic location: 1q44.
Variant type: single nucleotide variant.
Coding change: c.5004G>T on transcript NM_018012.4 (MANE Select); coding-DNA position 5004, G replaced by T.
Protein change: p.Ser1668=; no amino-acid change (serine 1668 retained).
Molecular consequence: synonymous variant.
Genome position (GRCh38, 1-based): chr1:245,687,987, G>T. VCF-style: chr1-245687987-G-T. GRCh37 (hg19) VCF-style: chr1-245851289-G-T.
Identifiers: ClinVar variation 403010 (VCV000403010.7), dbSNP rs58427858, ClinGen allele CA1488559.